The following is an entry in ClinVar:

ClinVar aggregate classification (germline): Uncertain significance (1 of 4 stars; one submission).

Allele frequency attached by ClinVar (database versions not stated): gnomAD 0.00001; TOPMed 0.00001; ExAC 0.00003.
gnomAD v4.1: 7 of 1,610,016 alleles (0.00043%); highest among the groups gnomAD compares: Admixed American, 0.01%; no homozygotes.

Submission:

Labcorp Genetics (formerly Invitae), Labcorp
Classification: Uncertain significance. Last evaluated: 2022-02-08. Review status: criteria provided, single submitter. Criteria: Invitae Variant Classification Sherloc (09022015). Collection method: clinical testing. Allele origin: germline.
Comment: This sequence change replaces leucine, which is neutral and non-polar, with proline, which is neutral and non-polar, at codon 428 of the LCA5 protein (p.Leu428Pro). This variant is present in population databases (rs762669053, gnomAD 0.02%). This variant has not been reported in the literature in individuals affected with LCA5-related conditions. Algorithms developed to predict the effect of missense changes on protein structure and function are either unavailable or do not agree on the potential impact of this missense change (SIFT: "Deleterious"; PolyPhen-2: "Probably Damaging"; Align-GVGD: "Class C0"). In summary, the available evidence is currently insufficient to determine the role of this variant in disease. Therefore, it has been classified as a Variant of Uncertain Significance.

NM_001122769.3(LCA5):c.1283T>C (p.Leu428Pro)

Gene: LCA5 (lebercilin LCA5; minus strand). Cytogenetic location: 6q14.1.
Variant type: single nucleotide variant.
Coding change: c.1283T>C on transcript NM_001122769.3 (MANE Select); coding-DNA position 1283, T replaced by C.
Protein change: p.Leu428Pro; replaces leucine 428 with proline.
Molecular consequence: missense variant.
Genome position (GRCh38, 1-based): chr6:79,487,815, A>G on the plus strand (T>C on the coding strand, the complement: LCA5 is on the minus strand). VCF-style: chr6-79487815-A-G. GRCh37 (hg19) VCF-style: chr6-80197532-A-G.
Other names: c.1283T>C, p.Leu428Pro (NM_181714.4); short protein forms L428P.
Identifiers: ClinVar variation 1942402 (VCV001942402.2), dbSNP rs762669053, ClinGen allele CA3900848.